The following is an entry in ClinVar:

ClinVar aggregate classification (germline): Uncertain significance. Review status: criteria provided, multiple submitters, no conflicts (2 of 4 stars). 5 submissions from 5 submitters: Uncertain significance (4). 1 of the submissions does not count toward it. Last evaluated 2026-01-26.

Conditions:
Hereditary cancer-predisposing syndrome. Also called: Neoplastic Syndromes, Hereditary; Hereditary neoplastic syndrome; Tumor predisposition; Hereditary Cancer Syndrome. Identifiers: Orphanet 140162, MedGen C0027672, MeSH D009386, MONDO:0015356.
Fanconi anemia complementation group J. Also called: BRIP1-Related Fanconi Anemia. Identifiers: Orphanet 84, MedGen C1836860, MONDO:0012187, OMIM 609054.
Familial cancer of breast. Also called: BREAST CANCER, FAMILIAL; hereditary breast carcinoma; Hereditary breast cancer. Identifiers: Orphanet 227535, MedGen C0346153, MONDO:0016419, OMIM 114480. Disease mechanism: loss of function.
BRIP1-related disorder. Also called: BRIP1-related condition; BRIP1-related disorders. Identifiers: MedGen CN239206.

gnomAD v4.1: 1 of 1,614,188 alleles (0.000062%); no homozygotes.

Submissions (5):

Labcorp Genetics (formerly Invitae), Labcorp
Classification: Uncertain significance for Familial cancer of breast; Fanconi anemia complementation group J. Last evaluated: 2026-01-26. Review status: criteria provided, single submitter. Criteria: Invitae Variant Classification Sherloc (09022015). Collection method: clinical testing. Allele origin: germline.
Comment: This sequence change replaces lysine, which is basic and polar, with arginine, which is basic and polar, at codon 1015 of the BRIP1 protein (p.Lys1015Arg). This variant is not present in population databases (gnomAD no frequency). This variant has not been reported in the literature in individuals affected with BRIP1-related conditions. ClinVar contains an entry for this variant (Variation ID: 530314). Invitae Evidence Modeling of protein sequence and biophysical properties (such as structural, functional, and spatial information, amino acid conservation, physicochemical variation, residue mobility, and thermodynamic stability) indicates that this missense variant is not expected to disrupt BRIP1 protein function with a negative predictive value of 95%. In summary, the available evidence is currently insufficient to determine the role of this variant in disease. Therefore, it has been classified as a Variant of Uncertain Significance.

Center for Genomic Medicine, Rigshospitalet, Copenhagen University Hospital
Classification: Uncertain significance. Last evaluated: 2025-03-04. Review status: criteria provided, single submitter. Criteria: ACMG Guidelines, 2015. Collection method: clinical testing. Allele origin: germline.

Ambry Genetics
Classification: Uncertain significance for Hereditary cancer-predisposing syndrome. Last evaluated: 2025-01-20. Review status: criteria provided, single submitter. Criteria: Ambry Variant Classification Scheme 2023. Collection method: clinical testing. Allele origin: germline.
Comment: The p.K1015R variant (also known as c.3044A>G), located in coding exon 19 of the BRIP1 gene, results from an A to G substitution at nucleotide position 3044. The lysine at codon 1015 is replaced by arginine, an amino acid with highly similar properties. This amino acid position is well conserved in available vertebrate species. In addition, this alteration is predicted to be tolerated by in silico analysis. Since supporting evidence is limited at this time, the clinical significance of this alteration remains unclear.

Color Diagnostics, LLC DBA Color Health
Classification: Uncertain significance for Hereditary cancer-predisposing syndrome. Last evaluated: 2024-03-04. Review status: criteria provided, single submitter. Criteria: ACMG Guidelines, 2015. Collection method: clinical testing. Allele origin: germline.
Comment: This missense variant replaces lysine with arginine at codon 1015 of the BRIP1 protein. Computational prediction suggests that this variant may not impact protein structure and function (internally defined REVEL score threshold <= 0.5, PMID: 27666373). To our knowledge, functional studies have not been reported for this variant. This variant has not been reported in individuals affected with BRIP1-related disorders in the literature. This variant has not been identified in the general population by the Genome Aggregation Database (gnomAD). The available evidence is insufficient to determine the role of this variant in disease conclusively. Therefore, this variant is classified as a Variant of Uncertain Significance.

PreventionGenetics, part of Exact Sciences
Classification: Uncertain significance for BRIP1-related condition. Last evaluated: 2023-12-19. Review status: no assertion criteria provided. Collection method: clinical testing. Allele origin: germline. Not counted in ClinVar's aggregate classification.
Comment: The BRIP1 c.3044A>G variant is predicted to result in the amino acid substitution p.Lys1015Arg. To our knowledge, this variant has not been reported in the literature or in a large population database, indicating this variant is rare. It is interpreted as uncertain significance in ClinVar. At this time, the clinical significance of this variant is uncertain due to the absence of conclusive functional and genetic evidence.

NM_032043.3(BRIP1):c.3044A>G (p.Lys1015Arg)

Gene: BRIP1 (BRCA1 interacting DNA helicase 1; minus strand). Cytogenetic location: 17q23.2.
Variant type: single nucleotide variant.
Coding change: c.3044A>G on transcript NM_032043.3 (MANE Select); coding-DNA position 3044, A replaced by G.
Protein change: p.Lys1015Arg; replaces lysine 1015 with arginine.
Molecular consequence: missense variant.
Genome position (GRCh38, 1-based): chr17:61,684,002, T>C on the plus strand (A>G on the coding strand, the complement: BRIP1 is on the minus strand). VCF-style: chr17-61684002-T-C. GRCh37 (hg19) VCF-style: chr17-59761363-T-C.
Other names: short protein forms K1015R.
Identifiers: ClinVar variation 530314 (VCV000530314.20), dbSNP rs1006002613, ClinGen allele CA292267527.